The following is an entry in ClinVar:

ClinVar aggregate classification (germline): Likely benign (0 of 4 stars; one submission).

Conditions:
ATG2B-related disorder. Also called: ATG2B-related condition.

Submission:

PreventionGenetics, part of Exact Sciences
Classification: Likely benign for ATG2B-related condition. Last evaluated: 2019-07-11. Review status: no assertion criteria provided. Collection method: clinical testing. Allele origin: germline.
Comment: This variant is classified as likely benign based on ACMG/AMP sequence variant interpretation guidelines (Richards et al. 2015 PMID: 25741868, with internal and published modifications).

NM_018036.7(ATG2B):c.5219-4del

Gene: ATG2B (autophagy related 2B; minus strand). Cytogenetic location: 14q32.2.
Variant type: Deletion.
Coding change: c.5219-4del on transcript NM_018036.7 (MANE Select); 4 bases into the intron before coding-DNA position 5219, one base deleted (T; older notation c.5219-4delT).
Molecular consequence: intron variant.
Genome position (GRCh38, 1-based): chr14:96,295,171, A deleted on the plus strand (T on the coding strand, the reverse complement: ATG2B is on the minus strand); the first of 4 consecutive A bases (chr14:96,295,171-96,295,174); deleting any one gives the same sequence. VCF-style (leftmost placement, unchanged base first): chr14-96295170-GA-G. GRCh37 (hg19) VCF-style: chr14-96761507-GA-G.
Identifiers: ClinVar variation 3050014 (VCV003050014.2), dbSNP rs781638627, ClinGen allele CA7335676.